The following is an entry in ClinVar:

NM_138348.6(OTULIN):c.325-3C>A

Gene: OTULIN (OTU deubiquitinase with linear linkage specificity; plus strand). Cytogenetic location: 5p15.2.
Variant type: single nucleotide variant.
Coding change: c.325-3C>A on transcript NM_138348.6 (MANE Select); 3 bases into the intron before coding-DNA position 325, C replaced by A.
Molecular consequence: intron variant.
Genome position (GRCh38, 1-based): chr5:14,681,461, C>A. VCF-style: chr5-14681461-C-A. GRCh37 (hg19) VCF-style: chr5-14681570-C-A.
Identifiers: ClinVar variation 3716712 (VCV003716712.2).

ClinVar aggregate classification (germline): Uncertain significance (1 of 4 stars; one submission).

gnomAD v4.1: 10 of 1,603,090 alleles (0.00062%); highest among the groups gnomAD compares: Admixed American, 0.018%; no homozygotes.

Submission:

Labcorp Genetics (formerly Invitae), Labcorp
Classification: Uncertain significance. Last evaluated: 2024-06-13. Review status: criteria provided, single submitter. Criteria: Invitae Variant Classification Sherloc (09022015). Collection method: clinical testing. Allele origin: germline.
Comment: This sequence change falls in intron 3 of the OTULIN gene. It does not directly change the encoded amino acid sequence of the OTULIN protein. It affects a nucleotide within the consensus splice site. This variant is present in population databases (rs767400148, gnomAD 0.03%). This variant has not been reported in the literature in individuals affected with OTULIN-related conditions. Variants that disrupt the consensus splice site are a relatively common cause of aberrant splicing (PMID: 17576681, 9536098). Algorithms developed to predict the effect of sequence changes on RNA splicing suggest that this variant is not likely to affect RNA splicing. In summary, the available evidence is currently insufficient to determine the role of this variant in disease. Therefore, it has been classified as a Variant of Uncertain Significance.

Literature cited by the submitters: PubMed 17576681; PubMed 9536098.